The following is an entry in ClinVar:

NM_020822.3(KCNT1):c.3393G>A (p.Glu1131=)

Gene: KCNT1 (potassium sodium-activated channel subfamily T member 1; plus strand). Cytogenetic location: 9q34.3.
Variant type: single nucleotide variant.
Coding change: c.3393G>A on transcript NM_020822.3 (MANE Select); coding-DNA position 3393, G replaced by A.
Protein change: p.Glu1131=; no amino-acid change (glutamic acid 1131 retained).
Molecular consequence: synonymous variant.
Genome position (GRCh38, 1-based): chr9:135,786,412, G>A. VCF-style: chr9-135786412-G-A. GRCh37 (hg19) VCF-style: chr9-138678258-G-A.
Other names: c.3258G>A, p.Glu1086= (NM_001272003.2).
Identifiers: ClinVar variation 510839 (VCV000510839.11), dbSNP rs781111074, ClinGen allele CA201424340.

ClinVar aggregate classification (germline): Likely benign. Review status: criteria provided, multiple submitters, no conflicts (2 of 4 stars). 4 submissions from 3 submitters: Likely benign (4). Last evaluated 2026-01-04.

Conditions:
Autosomal dominant nocturnal frontal lobe epilepsy 5. Also called: Epilepsy, nocturnal frontal lobe, 5; CILIARY DYSKINESIA, PRIMARY, 28, WITHOUT SITUS INVERSUS; CILIARY DYSKINESIA, PRIMARY, 28, WITH SITUS INVERSUS; KCNT1-Related Epilepsy. Identifiers: Orphanet 98784, MedGen C3554306, MONDO:0014002, OMIM 615005.
Developmental and epileptic encephalopathy, 14 (DEE14). Also called: Early infantile epileptic encephalopathy 14. Identifiers: Orphanet 293181, MedGen C3554195, MONDO:0013989, OMIM 614959.

Allele frequency attached by ClinVar (database versions not stated): gnomAD 0.00002; gnomAD exomes 0.00002; TOPMed 0.00002.
gnomAD v4.1: 25 of 1,583,186 alleles (0.0016%); highest among the groups gnomAD compares: South Asian, 0.0023%; no homozygotes.

Submissions (4):

Labcorp Genetics (formerly Invitae), Labcorp
Classification: Likely benign for Autosomal dominant nocturnal frontal lobe epilepsy 5; Developmental and epileptic encephalopathy, 14. Last evaluated: 2026-01-04. Review status: criteria provided, single submitter. Criteria: Invitae Variant Classification Sherloc (09022015). Collection method: clinical testing. Allele origin: germline.

Genome-Nilou Lab
Classification: Likely benign for Developmental and epileptic encephalopathy, 14. Last evaluated: 2022-03-15. Review status: criteria provided, single submitter. Criteria: ACMG Guidelines, 2015. Collection method: clinical testing. Allele origin: germline. Affected: no.

Genome-Nilou Lab
Classification: Likely benign for Autosomal dominant nocturnal frontal lobe epilepsy 5. Last evaluated: 2022-03-15. Review status: criteria provided, single submitter. Criteria: ACMG Guidelines, 2015. Collection method: clinical testing. Allele origin: germline. Affected: no.

GeneDx
Classification: Likely benign. Last evaluated: 2017-07-19. Review status: criteria provided, single submitter. Criteria: GeneDx Variant Classification (06012015). Collection method: clinical testing. Allele origin: germline. Affected: yes.
Comment: This variant is considered likely benign or benign based on one or more of the following criteria: it is a conservative change, it occurs at a poorly conserved position in the protein, it is predicted to be benign by multiple in silico algorithms, and/or has population frequency not consistent with disease.